The following is an entry in ClinVar:

ClinVar aggregate classification (germline): Uncertain significance (1 of 4 stars; one submission).

Submission:

Labcorp Genetics (formerly Invitae), Labcorp
Classification: Uncertain significance. Last evaluated: 2022-10-27. Review status: criteria provided, single submitter. Criteria: Invitae Variant Classification Sherloc (09022015). Collection method: clinical testing. Allele origin: germline.
Comment: This sequence change creates a premature translational stop signal (p.Gly45Alafs*106) in the KRT5 gene. It is expected to result in an absent or disrupted protein product. However, the current clinical and genetic evidence is not sufficient to establish whether loss-of-function variants in KRT5 cause disease. In summary, the available evidence is currently insufficient to determine the role of this variant in disease. Therefore, it has been classified as a Variant of Uncertain Significance. This variant has not been reported in the literature in individuals affected with KRT5-related conditions. This variant is not present in population databases (gnomAD no frequency).

NM_000424.4(KRT5):c.134del (p.Gly45fs)

Gene: KRT5 (keratin 5; minus strand). Cytogenetic location: 12q13.13.
Variant type: Deletion.
Coding change: c.134del on transcript NM_000424.4 (MANE Select); coding-DNA position 134, one base deleted (G; older notation c.134delG).
Protein change: p.Gly45fs; shifts the reading frame from glycine 45.
Molecular consequence: frameshift variant.
Genome position (GRCh38, 1-based): chr12:52,520,163, C deleted on the plus strand (G on the coding strand, the reverse complement: KRT5 is on the minus strand); the first of 2 consecutive C bases (chr12:52,520,163-52,520,164); deleting either gives the same sequence. VCF-style (leftmost placement, unchanged base first): chr12-52520162-GC-G. GRCh37 (hg19) VCF-style: chr12-52913946-GC-G.
Other names: short protein forms G45fs.
Identifiers: ClinVar variation 2809499 (VCV002809499.3), dbSNP rs2498410233, ClinGen allele CA2739272070.